The following is an entry in ClinVar:

ClinVar aggregate classification (germline): Uncertain significance (1 of 4 stars; one submission).

Submission:

Dasa
Classification: Uncertain significance. Last evaluated: 2025-10-28. Review status: criteria provided, single submitter. Criteria: DASA Assertion Criteria. Collection method: clinical testing. Allele origin: germline.
Comment: NM_006514.4(SCN10A):c.5312T>C (p.Leu1771Pro) is a missense variant that results in the substitution of leucine with proline. This variant is absent from population databases. Computational prediction algorithms are consistent with a deleterious effect. The currently available literature and clinical evidence are not sufficient to establish a definitive association between this variant and the reported condition. Therefore, this variant is classified as a variant of uncertain significance.

NM_006514.4(SCN10A):c.5312T>C (p.Leu1771Pro)

Gene: SCN10A (sodium voltage-gated channel alpha subunit 10; minus strand). Cytogenetic location: 3p22.2.
Variant type: single nucleotide variant.
Coding change: c.5312T>C on transcript NM_006514.4 (MANE Select); coding-DNA position 5312, T replaced by C.
Protein change: p.Leu1771Pro; replaces leucine 1771 with proline.
Molecular consequence: missense variant.
Genome position (GRCh38, 1-based): chr3:38,697,908, A>G on the plus strand (T>C on the coding strand, the complement: SCN10A is on the minus strand). VCF-style: chr3-38697908-A-G. GRCh37 (hg19) VCF-style: chr3-38739399-A-G.
Other names: c.5309T>C, p.Leu1770Pro (NM_001293306.2); c.5018T>C, p.Leu1673Pro (NM_001293307.2); short protein forms L1673P, L1770P, L1771P.
Identifiers: ClinVar variation 4885420 (VCV004885420.2).
Genomic context (GRCh38, chr3:38,697,908, plus strand): 5'-GGCAGGTCCATCTGGATCAGTATATTTCGATTGGGTTTTGGGATTCTCAGGGGACCAGAG[A>G]GAGTGTCTGCAAAGTCCGAGAGAGCAGAAAAGGTAATAAACTGAGTGGCCTCTGGGTCAA-3'
Protein context (NP_006505.4, residues 1761-1781): FSALSDFADT[Leu1771Pro]SGPLRIPKPN